The following is an entry in ClinVar:

ClinVar aggregate classification (germline): Conflicting classifications of pathogenicity. Review status: criteria provided, conflicting classifications (1 of 4 stars). 11 submissions from 11 submitters: Uncertain significance (9); Likely benign (2). Last evaluated 2026-06-11.

Conditions:
Ataxia-pancytopenia syndrome (ATXPC). Also called: SAMD9L Ataxia-Pancytopenia Syndrome; SAMD9L-Related Syndrome. Identifiers: Orphanet 2585, MedGen C1327919, MONDO:0008038, OMIM 159550.
Spinocerebellar ataxia 49 (SCA49). Identifiers: Orphanet 631106, MedGen C5676950, MONDO:0030805, OMIM 619806.
Monosomy 7 myelodysplasia and leukemia syndrome 1. Also called: Familial Mosaic Monosomy 7 Syndrome; Monosomy 7 of bone marrow; CHROMOSOME 7q DELETION. Identifiers: MedGen C1854978, MONDO:0009646, OMIM 252270.
SAMD9L-related disorder. Also called: SAMD9L-related disorders; SAMD9L-related condition.
Primary ciliary dyskinesia 12. Also called: CILIARY DYSKINESIA, PRIMARY, 12, WITHOUT SITUS INVERSUS. Identifiers: Orphanet 244, MedGen C2675228, MONDO:0012979, OMIM 612650.

Allele frequency attached by ClinVar (database versions not stated): gnomAD 0.00022; TOPMed 0.00023; gnomAD exomes 0.00027 and 0.00028; ESP Exome Variant Server 0.00031; ExAC 0.00035.
gnomAD v4.1: 426 of 1,613,804 alleles (0.026%); highest among the groups gnomAD compares: Non-Finnish European, 0.035%; no homozygotes.

Submissions (11):

PreventionGenetics, part of Exact Sciences
Classification: Uncertain significance for SAMD9L-related condition. Last evaluated: 2026-06-11. Review status: criteria provided, single submitter. Criteria: ACMG Guidelines, 2015. Collection method: clinical testing. Allele origin: germline.
Comment: The SAMD9L c.1549T>C variant is predicted to result in the amino acid substitution p.Trp517Arg. This variant has been reported in two individuals in a family with thrombocytopenia (Figure S1, Nagata et al. 2018. PubMed ID: 30322869). This variant is reported in 0.056% of alleles in individuals of European (Non-Finnish) descent in gnomAD. At this time, the clinical significance of this variant is uncertain due to the absence of conclusive functional and genetic evidence.

Labcorp Genetics (formerly Invitae), Labcorp
Classification: Uncertain significance. Last evaluated: 2026-01-02. Review status: criteria provided, single submitter. Criteria: Invitae Variant Classification Sherloc (09022015). Collection method: clinical testing. Allele origin: germline.
Comment: This sequence change replaces tryptophan, which is neutral and slightly polar, with arginine, which is basic and polar, at codon 517 of the SAMD9L protein (p.Trp517Arg). This variant is present in population databases (rs199714577, gnomAD 0.06%), and has an allele count higher than expected for a pathogenic variant. This missense change has been observed in individual(s) with thrombocytopenia (PMID: 30322869). ClinVar contains an entry for this variant (Variation ID: 1038336). Invitae Evidence Modeling of protein sequence and biophysical properties (such as structural, functional, and spatial information, amino acid conservation, physicochemical variation, residue mobility, and thermodynamic stability) indicates that this missense variant is expected to disrupt SAMD9L protein function with a positive predictive value of 80%. Experimental studies have shown that this missense change affects SAMD9L function (PMID: 30322869). In summary, the available evidence is currently insufficient to determine the role of this variant in disease. Therefore, it has been classified as a Variant of Uncertain Significance.

Women's Health and Genetics/Laboratory Corporation of America, LabCorp
Classification: Uncertain significance. Last evaluated: 2025-12-23. Review status: criteria provided, single submitter. Criteria: LabCorp Variant Classification Summary - May 2015. Collection method: clinical testing. Allele origin: germline.
Comment: Variant summary: SAMD9L c.1549T>C (p.Trp517Arg) results in a non-conservative amino acid change in the encoded protein sequence. Algorithms developed to predict the effect of missense changes on protein structure and function are either unavailable or do not agree on the potential impact of this missense change. The variant allele was found at a frequency of 0.00028 in 250356 control chromosomes. This frequency is not significantly higher than estimated for disease-causing variants in SAMD9L, allowing no conclusion about variant significance. c.1549T>C has been observed in individual(s) affected with SAMD9L-Related Disorders (Nagata_2018). These report(s) do not provide unequivocal conclusions about association of the variant with SAMD9L-Related Disorders. At least one publication reports experimental evidence evaluating an impact on protein function, however, does not allow convincing conclusions about the variant effect (Nagata_2018). The following publication has been ascertained in the context of this evaluation (PMID: 30322869). ClinVar contains an entry for this variant (Variation ID: 1038336). Based on the evidence outlined above, the variant was classified as uncertain significance.

Mayo Clinic Laboratories, Mayo Clinic
Classification: Likely benign. Last evaluated: 2025-08-12. Review status: criteria provided, single submitter. Criteria: ACMG Guidelines, 2015. Collection method: clinical testing. Allele origin: germline. Observed: 3 variant alleles.
Comment: BS1

St. Jude Molecular Pathology, St. Jude Children's Research Hospital
Classification: Uncertain significance for Ataxia-pancytopenia syndrome. Last evaluated: 2025-02-05. Review status: criteria provided, single submitter. Criteria: St. Jude Assertion Criteria 2020. Collection method: clinical testing. Allele origin: germline.
Comment: The SAMD9L c.1549T>C (p.Trp517Arg) missense change has a maximum subpopulation frequency of 0.056% in gnomAD v2.1.1. The in silico tool REVEL is inconclusive about a pathogenic or benign effect of this variant on protein function, and HEK293 cells expressing the mutant protein demonstrated a higher proliferation rate than cells expressing the wild-type protein (PMID: 30322869). This variant has been reported in a father and son with thrombocytopenia and a family history of thrombocytopenia (PMID: 30322869). In summary, the evidence currently available is insufficient to determine the clinical significance of this variant. It has therefore been classified as of uncertain significance.

Blueprint Genetics
Classification: Likely benign. Last evaluated: 2024-10-22. Review status: criteria provided, single submitter. Criteria: ACMG Guidelines, 2015. Collection method: clinical testing. Allele origin: germline.

Johns Hopkins Genomics, Johns Hopkins University
Classification: Uncertain significance for Primary ciliary dyskinesia 12. Last evaluated: 2024-10-20. Review status: criteria provided, single submitter. Criteria: ACMG Guidelines, 2015. Collection method: clinical testing. Allele origin: germline.
Comment: This SAMD9L missense variant was identified in a father and his infant son who were both reported with thrombocytopenia, and an experimental assay demonstrated that this variant results in loss of function. This variant (rs199714577) is rare (<0.1%) in a large population dataset (gnomAD v4.1.0: 426/1613804 total alleles; 0.03%; no homozygotes), and has been reported in ClinVar (Variation ID 1038336). Two bioinformatic tools queried predict that this substitution would be damaging, but these algorithms have low specificity, especially for predicting gain of function or dominant negative variants. The tryptophan residue at this position is evolutionarily conserved across most of the species assessed. We consider the clinical significance of c.1549T>C in SAMD9L to be uncertain at this time.

ARUP Laboratories, Molecular Genetics and Genomics, ARUP Laboratories
Classification: Uncertain significance. Last evaluated: 2024-05-07. Review status: criteria provided, single submitter. Criteria: ARUP Molecular Germline Variant Investigation Process 2024. Collection method: clinical testing. Allele origin: germline.

Fulgent Genetics
Classification: Uncertain significance for Ataxia-pancytopenia syndrome; Monosomy 7 myelodysplasia and leukemia syndrome 1; Spinocerebellar ataxia 49. Last evaluated: 2024-04-22. Review status: criteria provided, single submitter. Criteria: ACMG Guidelines, 2015. Collection method: clinical testing. Allele origin: germline.

Genetic Services Laboratory, University of Chicago
Classification: Uncertain significance. Last evaluated: 2021-10-11. Review status: criteria provided, single submitter. Criteria: ACMG Guidelines, 2015. Collection method: clinical testing. Allele origin: germline. Affected: no.
Comment: This sequence change has been described in two family members with thrombocytopenia and cell proliferation assay results were suggestive of its impact on SAMD9L protein function (PMID: 30322869). This sequence change has been described in the gnomAD database with a frequency of 0.056% in the non-Finnish European subpopulation (dbSNP rs199714577). The p.Trp517Arg change affects a highly conserved amino acid residue located in a domain of the SAMD9L protein that is not known to be functional. In-silico pathogenicity prediction tools (SIFT, PolyPhen2, Align GVGD, REVEL) provide contradictory results for the p.Trp517Arg substitution. Due to insufficient evidence and the lack of functional studies, the clinical significance of the p.Trp517Arg change remains unknown at this time.

Department of Pathology and Laboratory Medicine, Sinai Health System
Classification: Uncertain significance for Ataxia-pancytopenia syndrome; Monosomy 7 myelodysplasia and leukemia syndrome 1; Spinocerebellar ataxia 49. Last evaluated: 2021-07-30. Review status: criteria provided, single submitter. Criteria: ACMG Guidelines, 2015. Collection method: research. Allele origin: germline.

Literature cited by the submitters: PubMed 30322869 (cited by 4 submitters); PubMed 39475954 (cited by Mayo Clinic Laboratories, Mayo Clinic); PubMed 30046003 (cited by Johns Hopkins Genomics, Johns Hopkins University).

NM_152703.5(SAMD9L):c.1549T>C (p.Trp517Arg)

Gene: SAMD9L (sterile alpha motif domain containing 9 like; minus strand). Cytogenetic location: 7q21.2.
Variant type: single nucleotide variant.
Coding change: c.1549T>C on transcript NM_152703.5 (MANE Select); coding-DNA position 1549, T replaced by C.
Protein change: p.Trp517Arg; replaces tryptophan 517 with arginine.
Molecular consequence: missense variant.
Genome position (GRCh38, 1-based): chr7:93,134,423, A>G on the plus strand (T>C on the coding strand, the complement: SAMD9L is on the minus strand). VCF-style: chr7-93134423-A-G. GRCh37 (hg19) VCF-style: chr7-92763736-A-G.
Other names: p.Trp517Arg; c.1549T>C, p.Trp517Arg (NM_001303496.3, NM_001303497.3, NM_001303498.3 and 5 more transcripts); short protein forms W517R.
Identifiers: ClinVar variation 1038336 (VCV001038336.22), dbSNP rs199714577, ClinGen allele CA4343711.